The following is an entry in ClinVar:

NM_033380.3(COL4A5):c.4765A>T (p.Ile1589Phe)

Gene: COL4A5 (collagen type IV alpha 5 chain; plus strand). Cytogenetic location: Xq22.3.
Variant type: single nucleotide variant.
Coding change: c.4765A>T on transcript NM_033380.3 (MANE Select); coding-DNA position 4765, A replaced by T.
Protein change: p.Ile1589Phe; replaces isoleucine 1589 with phenylalanine.
Molecular consequence: missense variant.
Genome position (GRCh38, 1-based): chrX:108,694,865, A>T. VCF-style: chrX-108694865-A-T. GRCh37 (hg19) VCF-style: chrX-107938095-A-T.
Other names: c.4747A>T, p.Ile1583Phe (NM_000495.5); short protein forms I1583F, I1589F.
Identifiers: ClinVar variation 5037528 (VCV005037528.1).

ClinVar aggregate classification (germline): Uncertain significance (1 of 4 stars; one submission).

Submission:

GeneDx
Classification: Uncertain significance. Last evaluated: 2026-04-21. Review status: criteria provided, single submitter. Criteria: GeneDx Variant Classification Process June 2021. Collection method: clinical testing. Allele origin: germline.
Comment: Not observed at significant frequency in large population cohorts (gnomAD); In silico analysis supports that this missense variant has a deleterious effect on protein structure/function; Has not been previously published as pathogenic or benign to our knowledge; Also known as p.(I1583F)